The following is an entry in ClinVar:

NM_005862.3(STAG1):c.1531G>C (p.Val511Leu)

Gene: STAG1 (STAG1 cohesin complex component; minus strand). Cytogenetic location: 3q22.3.
Variant type: single nucleotide variant.
Coding change: c.1531G>C on transcript NM_005862.3 (MANE Select); coding-DNA position 1531, G replaced by C.
Protein change: p.Val511Leu; replaces valine 511 with leucine.
Molecular consequence: missense variant.
Genome position (GRCh38, 1-based): chr3:136,443,302, C>G on the plus strand (G>C on the coding strand, the complement: STAG1 is on the minus strand). VCF-style: chr3-136443302-C-G. GRCh37 (hg19) VCF-style: chr3-136162144-C-G.
Other names: short protein forms V511L.
Identifiers: ClinVar variation 2654177 (VCV002654177.24), dbSNP rs138129456, ClinGen allele CA2632881.

ClinVar aggregate classification (germline): Uncertain significance (1 of 4 stars; one submission).

Allele frequency attached by ClinVar (database versions not stated): gnomAD 0.00001; TOPMed 0.00001; ExAC 0.00002; ESP Exome Variant Server 0.00008.
gnomAD v4.1: 11 of 1,611,460 alleles (0.00068%); highest among the groups gnomAD compares: Non-Finnish European, 0.00093%; no homozygotes.

Submission:

CeGaT Center for Human Genetics Tuebingen
Classification: Uncertain significance. Last evaluated: 2023-03-01. Review status: criteria provided, single submitter. Criteria: CeGaT Center For Human Genetics Tuebingen Variant Classification Criteria Version 2. Collection method: clinical testing. Allele origin: germline. Affected: yes. Observed: 1 variant allele.
Comment: STAG1: PP2